The following is an entry in ClinVar:

NM_003590.5(CUL3):c.1630_1648dup (p.Leu550fs)

Gene: CUL3 (cullin 3; minus strand). Cytogenetic location: 2q36.2.
Variant type: Duplication.
Coding change: c.1630_1648dup on transcript NM_003590.5 (MANE Select); coding-DNA positions 1630 to 1648, 19 bases duplicated (AGTGGTCGACAGCTCACAC).
Protein change: p.Leu550fs; shifts the reading frame from leucine 550.
Molecular consequence: frameshift variant.
Genome position (GRCh38, 1-based): chr2:224,497,812-224,497,830, GTGTGAGCTGTCGACCACT duplicated on the plus strand (AGTGGTCGACAGCTCACAC on the coding strand, the reverse complement: CUL3 is on the minus strand); duplicating any 19 consecutive bases within chr2:224,497,812-224,497,834 gives the same sequence; the c. name uses the placement nearest the transcript's 3' end. VCF-style (leftmost placement, unchanged base first): chr2-224497811-A-AGTGTGAGCTGTCGACCACT. GRCh37 (hg19) VCF-style: chr2-225362528-A-AGTGTGAGCTGTCGACCACT.
Other names: c.1432_1450dup, p.Leu484fs (NM_001257197.2); c.1648_1666dup, p.Leu556fs (NM_001257198.2); short protein forms L550fs, L556fs, L484fs.
Identifiers: ClinVar variation 2019327 (VCV002019327.4), dbSNP rs2469957229, ClinGen allele CA2580065801.

ClinVar aggregate classification (germline): Pathogenic (1 of 4 stars; one submission).

Submission:

Labcorp Genetics (formerly Invitae), Labcorp
Classification: Pathogenic. Last evaluated: 2023-12-11. Review status: criteria provided, single submitter. Criteria: Invitae Variant Classification Sherloc (09022015). Collection method: clinical testing. Allele origin: germline.
Comment: This sequence change creates a premature translational stop signal (p.Leu550Glnfs*25) in the CUL3 gene. It is expected to result in an absent or disrupted protein product. Loss-of-function variants in CUL3 are known to be pathogenic (PMID: 32341456). This variant is not present in population databases (gnomAD no frequency). This variant has not been reported in the literature in individuals affected with CUL3-related conditions. ClinVar contains an entry for this variant (Variation ID: 2019327). For these reasons, this variant has been classified as Pathogenic.

Literature cited by the submitters: PubMed 32341456.